The following is an entry in ClinVar:

NM_031157.4(HNRNPA1):c.897C>T (p.Gly299=)

Gene: HNRNPA1 (heterogeneous nuclear ribonucleoprotein A1; plus strand). Cytogenetic location: 12q13.13.
Variant type: single nucleotide variant.
Coding change: c.897C>T on transcript NM_031157.4 (MANE Select); coding-DNA position 897, C replaced by T.
Protein change: p.Gly299=; no amino-acid change (glycine 299 retained).
Molecular consequence: synonymous variant. On other transcripts: intron variant (1).
Genome position (GRCh38, 1-based): chr12:54,283,224, C>T. VCF-style: chr12-54283224-C-T. GRCh37 (hg19) VCF-style: chr12-54677008-C-T.
Other names: c.751+350C>T (NM_002136.4).
Identifiers: ClinVar variation 3358557 (VCV003358557.1).

ClinVar aggregate classification (germline): Likely benign (0 of 4 stars; one submission).

Conditions:
HNRNPA1-related disorder. Also called: HNRNPA1-related condition.

gnomAD v4.1: 58 of 1,610,322 alleles (0.0036%); highest among the groups gnomAD compares: Admixed American, 0.03%; no homozygotes.

Submission:

PreventionGenetics, part of Exact Sciences
Classification: Likely benign for HNRNPA1-related condition. Last evaluated: 2024-08-17. Review status: no assertion criteria provided. Collection method: clinical testing. Allele origin: germline.
Comment: This variant is classified as likely benign based on ACMG/AMP sequence variant interpretation guidelines (Richards et al. 2015 PMID: 25741868, with internal and published modifications).